The following is an entry in ClinVar:

ClinVar aggregate classification (germline): Likely pathogenic (1 of 4 stars; one submission).

Submission:

CeGaT Center for Human Genetics Tuebingen
Classification: Likely pathogenic. Last evaluated: 2025-12-01. Review status: criteria provided, single submitter. Criteria: CeGaT Center For Human Genetics Tuebingen Variant Classification Criteria Version 2. Collection method: clinical testing. Allele origin: germline. Affected: yes. Observed: 1 variant allele.
Comment: FOXC1: PVS1:Strong, PM2

NM_001453.3(FOXC1):c.1099C>T (p.Gln367Ter)

Gene: FOXC1 (forkhead box C1; plus strand). Cytogenetic location: 6p25.3.
Variant type: single nucleotide variant.
Coding change: c.1099C>T on transcript NM_001453.3 (MANE Select); coding-DNA position 1099, C replaced by T.
Protein change: p.Gln367Ter; replaces glutamine 367 with a stop codon.
Molecular consequence: nonsense.
Genome position (GRCh38, 1-based): chr6:1,611,544, C>T. VCF-style: chr6-1611544-C-T. GRCh37 (hg19) VCF-style: chr6-1611779-C-T.
Other names: short protein forms Q367*.
Identifiers: ClinVar variation 4682014 (VCV004682014.5).